The following is an entry in ClinVar:

ClinVar aggregate classification (germline): Uncertain significance (1 of 4 stars; one submission).

gnomAD v4.1: 3 of 1,612,756 alleles (0.00019%); highest among the groups gnomAD compares: African/African-American, 0.0013%; no homozygotes.

Submission:

Labcorp Genetics (formerly Invitae), Labcorp
Classification: Uncertain significance. Last evaluated: 2024-09-19. Review status: criteria provided, single submitter. Criteria: Invitae Variant Classification Sherloc (09022015). Collection method: clinical testing. Allele origin: germline.
Comment: This sequence change replaces aspartic acid, which is acidic and polar, with histidine, which is basic and polar, at codon 713 of the WFS1 protein (p.Asp713His). This variant is present in population databases (no rsID available, gnomAD 0.01%). This variant has not been reported in the literature in individuals affected with WFS1-related conditions. ClinVar contains an entry for this variant (Variation ID: 1398188). Invitae Evidence Modeling of protein sequence and biophysical properties (such as structural, functional, and spatial information, amino acid conservation, physicochemical variation, residue mobility, and thermodynamic stability) has been performed for this missense variant. However, the output from this modeling did not meet the statistical confidence thresholds required to predict the impact of this variant on WFS1 protein function. In summary, the available evidence is currently insufficient to determine the role of this variant in disease. Therefore, it has been classified as a Variant of Uncertain Significance.

NM_006005.3(WFS1):c.2137G>C (p.Asp713His)

Gene: WFS1 (wolframin ER transmembrane glycoprotein; plus strand). Cytogenetic location: 4p16.1.
Variant type: single nucleotide variant.
Coding change: c.2137G>C on transcript NM_006005.3 (MANE Select); coding-DNA position 2137, G replaced by C.
Protein change: p.Asp713His; replaces aspartic acid 713 with histidine.
Molecular consequence: missense variant.
Genome position (GRCh38, 1-based): chr4:6,301,932, G>C. VCF-style: chr4-6301932-G-C. GRCh37 (hg19) VCF-style: chr4-6303659-G-C.
Other names: c.2137G>C, p.Asp713His (NM_001145853.1); short protein forms D713H.
Identifiers: ClinVar variation 1398188 (VCV001398188.8), dbSNP rs1405752612, ClinGen allele CA356177841.